The following is an entry in ClinVar:

NM_004612.4(TGFBR1):c.926C>T (p.Thr309Met)

Gene: TGFBR1 (transforming growth factor beta receptor 1; plus strand). Cytogenetic location: 9q22.33.
Variant type: single nucleotide variant.
Coding change: c.926C>T on transcript NM_004612.4 (MANE Select); coding-DNA position 926, C replaced by T.
Protein change: p.Thr309Met; replaces threonine 309 with methionine.
Molecular consequence: missense variant.
Genome position (GRCh38, 1-based): chr9:99,142,656, C>T. VCF-style: chr9-99142656-C-T. GRCh37 (hg19) VCF-style: chr9-101904938-C-T.
Other names: c.695C>T, p.Thr232Met (NM_001130916.3); c.938C>T, p.Thr313Met (NM_001306210.2); short protein forms T309M, T232M, T313M.
Identifiers: ClinVar variation 940612 (VCV000940612.13), dbSNP rs200518416, ClinGen allele CA043369.

ClinVar aggregate classification (germline): Uncertain significance. Review status: criteria provided, multiple submitters, no conflicts (2 of 4 stars). 7 submissions from 7 submitters: Uncertain significance (7). Last evaluated 2025-08-13.

Conditions:
Loeys-Dietz syndrome (LDS). Identifiers: Orphanet 60030, MedGen C2697932, MONDO:0018954.
Familial thoracic aortic aneurysm and aortic dissection (TAAD). Also called: Thoracic aortic aneurysms and dissections. Identifiers: Orphanet 91387, MedGen C4707243, MONDO:0019625.
Multiple self-healing squamous epithelioma (MSSE). Also called: MULTIPLE SELF-HEALING SQUAMOUS EPITHELIOMA, SUSCEPTIBILITY TO. Identifiers: Orphanet 65748, MedGen C0546476, MONDO:0007566, OMIM 132800.
Loeys-Dietz syndrome 1 (LDS1). Also called: TGFBR1-Related Loeys-Dietz Syndrome; FURLONG SYNDROME; AORTIC ANEURYSM, FAMILIAL THORACIC 5. Identifiers: Orphanet 60030, MedGen C4551955, MONDO:0012212, OMIM 609192.

Allele frequency attached by ClinVar (database versions not stated): ExAC 0.00002; gnomAD exomes 0.00002 and 0.00003; gnomAD 0.00003; TOPMed 0.00004; 1000 Genomes Project 30x 0.00016; 1000 Genomes Project 0.00020.
gnomAD v4.1: 22 of 1,614,068 alleles (0.0014%); highest among the groups gnomAD compares: Admixed American, 0.005%; no homozygotes.

Submissions (7):

Ambry Genetics
Classification: Uncertain significance for Familial thoracic aortic aneurysm and aortic dissection. Last evaluated: 2025-08-13. Review status: criteria provided, single submitter. Criteria: Ambry Variant Classification Scheme 2023. Collection method: clinical testing. Allele origin: germline.
Comment: The p.T309M variant (also known as c.926C>T), located in coding exon 5 of the TGFBR1 gene, results from a C to T substitution at nucleotide position 926. The threonine at codon 309 is replaced by methionine, an amino acid with similar properties. This variant, also known as c.695C>T p.(Thr232Met), was reported in individual(s) with features consistent with Loeys-Dietz Syndrome (Gillis E et al. Front Physiol, 2017 Jun;8:400; Chen ZR et al. J Thorac Dis, 2021 Jul;13:4008-4022). This amino acid position is highly conserved in available vertebrate species. In addition, this alteration is predicted to be deleterious by in silico analysis. Based on the available evidence, the clinical significance of this variant remains unclear.

Labcorp Genetics (formerly Invitae), Labcorp
Classification: Uncertain significance for Familial thoracic aortic aneurysm and aortic dissection. Last evaluated: 2025-06-14. Review status: criteria provided, single submitter. Criteria: Invitae Variant Classification Sherloc (09022015). Collection method: clinical testing. Allele origin: germline.
Comment: This sequence change replaces threonine, which is neutral and polar, with methionine, which is neutral and non-polar, at codon 309 of the TGFBR1 protein (p.Thr309Met). This variant is present in population databases (rs200518416, gnomAD 0.006%). This missense change has been observed in individual(s) with clinical features of TGFBR1-related conditions (PMID: 28659821, 34422331, 37937776). This variant is also known as c.C695T p.T232M. ClinVar contains an entry for this variant (Variation ID: 940612). Invitae Evidence Modeling of protein sequence and biophysical properties (such as structural, functional, and spatial information, amino acid conservation, physicochemical variation, residue mobility, and thermodynamic stability) indicates that this missense variant is not expected to disrupt TGFBR1 protein function with a negative predictive value of 80%. In summary, the available evidence is currently insufficient to determine the role of this variant in disease. Therefore, it has been classified as a Variant of Uncertain Significance.

Color Diagnostics, LLC DBA Color Health
Classification: Uncertain significance for Familial thoracic aortic aneurysm and aortic dissection. Last evaluated: 2025-06-11. Review status: criteria provided, single submitter. Criteria: ACMG Guidelines, 2015. Collection method: clinical testing. Allele origin: germline.
Comment: This missense variant replaces threonine with methionine at codon 309 of the TGFBR1 protein. Computational prediction tool is inconclusive regarding the impact of this variant on protein structure and function. To our knowledge, functional studies have not been reported for this variant. This variant has been reported in an individual affected with bicuspid aortic valve and thoracic aortic aneurysm (PMID: 28659821). This variant has been identified in 8/282486 chromosomes in the general population by the Genome Aggregation Database (gnomAD). The available evidence is insufficient to determine the role of this variant in disease conclusively. Therefore, this variant is classified as a Variant of Uncertain Significance.

GeneDx
Classification: Uncertain significance. Last evaluated: 2024-12-12. Review status: criteria provided, single submitter. Criteria: GeneDx Variant Classification Process June 2021. Collection method: clinical testing. Allele origin: germline. Affected: yes.
Comment: Has been reported in an individual with TAAD (PMID: 34422331); In silico analysis indicates that this missense variant does not alter protein structure/function; This variant is associated with the following publications: (PMID: 37937776, 34422331)

Blueprint Genetics
Classification: Uncertain significance. Last evaluated: 2024-10-15. Review status: criteria provided, single submitter. Criteria: ACMG Guidelines, 2015. Collection method: clinical testing. Allele origin: germline.

All of Us Research Program, National Institutes of Health
Classification: Uncertain significance for Loeys-Dietz syndrome. Last evaluated: 2023-12-18. Review status: criteria provided, single submitter. Criteria: ACMG Guidelines, 2015. Collection method: clinical testing. Allele origin: germline. Inheritance: Autosomal dominant inheritance. Observed: 6 variant alleles, 6 heterozygotes.
Comment: This missense variant replaces threonine with methionine at codon 309 of the TGFBR1 protein. Computational prediction is inconclusive regarding the impact of this variant on protein structure and function (internally defined REVEL score threshold 0.5 < inconclusive < 0.7, PMID: 27666373). To our knowledge, functional studies have not been reported for this variant. This variant has been reported in an individual affected with bicuspid aortic valve and thoracic aortic aneurysm (PMID: 28659821). This variant has been identified in 8/282486 chromosomes in the general population by the Genome Aggregation Database (gnomAD). The available evidence is insufficient to determine the role of this variant in disease conclusively. Therefore, this variant is classified as a Variant of Uncertain Significance.

This study involves interpretation of variants in research participants for the purpose of population health screening. Participant phenotype was not available at the time of variant classification. Additional details can be found in publication PMID: 35346344, PMCID: PMC8962531

Fulgent Genetics
Classification: Uncertain significance for Multiple self-healing squamous epithelioma; Loeys-Dietz syndrome 1. Last evaluated: 2021-11-16. Review status: criteria provided, single submitter. Criteria: ACMG Guidelines, 2015. Collection method: clinical testing. Allele origin: unknown.

Literature cited by the submitters: PubMed 28659821 (cited by 4 submitters); PubMed 34422331 (cited by Ambry Genetics and Labcorp Genetics (formerly Invitae), Labcorp); PubMed 37937776 (cited by Labcorp Genetics (formerly Invitae), Labcorp).